The following is an entry in ClinVar:

ClinVar aggregate classification (germline): Likely pathogenic (1 of 4 stars; one submission).

Conditions:
Hypotrichosis 8 (HYPT8). Also called: HYPOTRICHOSIS, LOCALIZED, AUTOSOMAL RECESSIVE 3. Identifiers: Orphanet 55654, MedGen C3279470, MONDO:0010206, OMIM 278150.

Submission:

Neuberg Centre For Genomic Medicine, NCGM
Classification: Likely pathogenic for Hypotrichosis 8. Last evaluated: 2023-05-20. Review status: criteria provided, single submitter. Criteria: ACMG Guidelines, 2015. Collection method: clinical testing. Allele origin: germline. Inheritance: Autosomal dominant inheritance. Affected: yes.
Comment: The frameshift c.255del (p.Asp86IlefsTer8) variant in the LPAR6 gene has not been reported previously as a pathogenic variant nor as a benign variant, to our knowledge. The variant is absent in gnomAD Exomes. This variant causes a frameshift starting with codon Aspartic Acid 86, changes this amino acid to Isoleucine residue, and creates a premature Stop codon at position 8 of the new reading frame, denoted p.Asp86IlefsTer8. This variant is predicted to cause loss of normal protein function through protein truncation. Loss of function variants have been previously reported to be disease causing. For these reasons, this variant has been classified as Likely Pathogenic

NM_001162498.3(LPAR6):c.255del (p.Asp86fs)

Genes: LPAR6 (lysophosphatidic acid receptor 6; minus strand), RB1 (RB transcriptional corepressor 1; plus strand). Cytogenetic location: 13q14.2.
Variant type: Deletion.
Coding change: c.255del on transcript NM_001162498.3 (MANE Select); coding-DNA position 255, one base deleted (A; older notation c.255delA).
Protein change: p.Asp86fs; shifts the reading frame from aspartic acid 86.
Molecular consequence: frameshift variant. On other transcripts: intron variant (2).
Genome position (GRCh38, 1-based): chr13:48,412,169, T deleted on the plus strand (A on the coding strand, the reverse complement: LPAR6 is on the minus strand). VCF-style (leftmost placement, unchanged base first): chr13-48412168-CT-C. GRCh37 (hg19) VCF-style: chr13-48986304-CT-C.
Other names: c.255del, p.Asp86fs (NM_001162497.3, NM_001377316.2, NM_001377317.2 and 1 more transcripts); c.1695+30726del (NM_001407165.1, NM_000321.3); short protein forms D86fs.
Identifiers: ClinVar variation 3367022 (VCV003367022.1).